The following is an entry in ClinVar:

ClinVar aggregate classification (germline): Benign/Likely benign. Review status: criteria provided, multiple submitters, no conflicts (2 of 4 stars). 7 submissions from 7 submitters: Benign (2); Likely benign (3). 2 of the submissions do not count toward it. Last evaluated 2026-06-23.

Conditions:
FGFR3-related chondrodysplasia. Identifiers: Orphanet 93420, MedGen C5681604, MONDO:0019685.

Allele frequency attached by ClinVar (database versions not stated): gnomAD 0.00020 and 0.00025; TOPMed 0.00030; ExAC 0.00044; 1000 Genomes Project 30x 0.00078; 1000 Genomes Project 0.00100.
gnomAD v4.1: 285 of 1,553,526 alleles (0.018%); highest among the groups gnomAD compares: East Asian, 0.64%; 2 homozygotes.

Submissions (7):

Genomenon, Inc
Classification: Benign for FGFR3-related chondrodysplasia. Last evaluated: 2026-06-23. Review status: criteria provided, single submitter. Criteria: Genomenon Sequence Variant Interpretation Standards - Updated. Collection method: curation. Allele origin: germline. Affected: no.
Comment: FGFR3 p.Leu164Val (c.490C>G) is a missense variant that changes the amino acid at codon 164 from Leucine to Valine. In silico models predict that this variant is not damaging. This variant is present at high allele frequency in population databases. We classify FGFR3 p.Leu164Val (c.490C>G) as a benign variant.

Labcorp Genetics (formerly Invitae), Labcorp
Classification: Benign. Last evaluated: 2026-01-20. Review status: criteria provided, single submitter. Criteria: Invitae Variant Classification Sherloc (09022015). Collection method: clinical testing. Allele origin: germline.

Blueprint Genetics
Classification: Likely benign. Last evaluated: 2024-10-22. Review status: criteria provided, single submitter. Criteria: ACMG Guidelines, 2015. Collection method: clinical testing. Allele origin: germline.

GeneDx
Classification: Likely benign. Last evaluated: 2021-05-07. Review status: criteria provided, single submitter. Criteria: GeneDx Variant Classification Process June 2021. Collection method: clinical testing. Allele origin: germline. Affected: yes.
Comment: In silico analysis supports that this missense variant does not alter protein structure/function; Has not been previously published as pathogenic or benign to our knowledge

Breakthrough Genomics
Classification: Likely benign. Review status: criteria provided, single submitter. Criteria: ACMG Guidelines, 2015. Collection method: not provided. Allele origin: germline. Inheritance: Autosomal dominant inheritance. Affected: yes.

Clinical Genetics DNA and cytogenetics Diagnostics Lab, Erasmus MC, Erasmus Medical Center
Classification: Likely benign. Review status: no assertion criteria provided. Collection method: clinical testing. Allele origin: germline. Affected: yes. Study: VKGL Data-share Consensus. Not counted in ClinVar's aggregate classification.

Laboratory of Diagnostic Genome Analysis, Leiden University Medical Center (LUMC)
Classification: Likely benign. Review status: no assertion criteria provided. Collection method: clinical testing. Allele origin: germline. Affected: yes. Study: VKGL Data-share Consensus. Not counted in ClinVar's aggregate classification.

NM_000142.5(FGFR3):c.490C>G (p.Leu164Val)

Gene: FGFR3 (fibroblast growth factor receptor 3; plus strand). Cytogenetic location: 4p16.3.
Variant type: single nucleotide variant.
Coding change: c.490C>G on transcript NM_000142.5 (MANE Select); coding-DNA position 490, C replaced by G.
Protein change: p.Leu164Val; replaces leucine 164 with valine.
Molecular consequence: missense variant. On other transcripts: non-coding transcript variant (1).
Genome position (GRCh38, 1-based): chr4:1,801,411, C>G. VCF-style: chr4-1801411-C-G. GRCh37 (hg19) VCF-style: chr4-1803138-C-G.
Other names: c.490C>G, p.Leu164Val (NM_001163213.2, NM_001354809.2, NM_001354810.2 and 1 more transcripts); short protein forms L164V.
Identifiers: ClinVar variation 1206069 (VCV001206069.15), dbSNP rs577990843, ClinGen allele CA2809859.